The following is an entry in ClinVar:

NM_015046.7(SETX):c.4814C>T (p.Ser1605Leu)

Gene: SETX (senataxin; minus strand). Cytogenetic location: 9q34.13.
Variant type: single nucleotide variant.
Coding change: c.4814C>T on transcript NM_015046.7 (MANE Select); coding-DNA position 4814, C replaced by T.
Protein change: p.Ser1605Leu; replaces serine 1605 with leucine.
Molecular consequence: missense variant.
Genome position (GRCh38, 1-based): chr9:132,326,784, G>A on the plus strand (C>T on the coding strand, the complement: SETX is on the minus strand). VCF-style: chr9-132326784-G-A. GRCh37 (hg19) VCF-style: chr9-135202171-G-A.
Other names: c.4814C>T, p.Ser1605Leu (NM_001351527.2, NM_001351528.2); short protein forms S1605L.
Identifiers: ClinVar variation 1308475 (VCV001308475.2), dbSNP rs2131429401, ClinGen allele CA375324072.

ClinVar aggregate classification (germline): Uncertain significance (1 of 4 stars; one submission).

Allele frequency attached by ClinVar (database versions not stated): gnomAD exomes below 0.00001.
gnomAD v4.1: 2 of 1,614,234 alleles (0.00012%); highest among the groups gnomAD compares: Non-Finnish European, 0.00017%; no homozygotes.

Submission:

GeneDx
Classification: Uncertain significance. Last evaluated: 2019-03-29. Review status: criteria provided, single submitter. Criteria: GeneDx Variant Classification Process June 2021. Collection method: clinical testing. Allele origin: germline. Affected: yes.
Comment: Not observed in large population cohorts (Lek et al., 2016); In silico analysis, which includes protein predictors and evolutionary conservation, supports a deleterious effect; Has not been previously published as pathogenic or benign to our knowledge